The following is an entry in ClinVar:

NM_030928.4(CDT1):c.392G>A (p.Arg131Gln)

Gene: CDT1 (chromatin licensing and DNA replication factor 1; plus strand). Cytogenetic location: 16q24.3.
Variant type: single nucleotide variant.
Coding change: c.392G>A on transcript NM_030928.4 (MANE Select); coding-DNA position 392, G replaced by A.
Protein change: p.Arg131Gln; replaces arginine 131 with glutamine.
Molecular consequence: missense variant.
Genome position (GRCh38, 1-based): chr16:88,804,802, G>A. VCF-style: chr16-88804802-G-A. GRCh37 (hg19) VCF-style: chr16-88871210-G-A.
Other names: short protein forms R131Q.
Identifiers: ClinVar variation 1461020 (VCV001461020.22), dbSNP rs756607694, ClinGen allele CA8233626.

ClinVar aggregate classification (germline): Uncertain significance. Review status: criteria provided, multiple submitters, no conflicts (2 of 4 stars). 2 submissions from 2 submitters: Uncertain significance (2). Last evaluated 2024-09-01.

Allele frequency attached by ClinVar (database versions not stated): ExAC 0.00001; gnomAD 0.00001.
gnomAD v4.1: 7 of 1,612,616 alleles (0.00043%); highest among the groups gnomAD compares: Middle Eastern, 0.033%; no homozygotes.

Submissions (2):

CeGaT Center for Human Genetics Tuebingen
Classification: Uncertain significance. Last evaluated: 2024-09-01. Review status: criteria provided, single submitter. Criteria: CeGaT Center For Human Genetics Tuebingen Variant Classification Criteria Version 2. Collection method: clinical testing. Allele origin: germline. Affected: yes. Observed: 1 variant allele.
Comment: CDT1: PM2, BP4

Labcorp Genetics (formerly Invitae), Labcorp
Classification: Uncertain significance. Last evaluated: 2021-08-14. Review status: criteria provided, single submitter. Criteria: Invitae Variant Classification Sherloc (09022015). Collection method: clinical testing. Allele origin: germline.
Comment: In summary, the available evidence is currently insufficient to determine the role of this variant in disease. Therefore, it has been classified as a Variant of Uncertain Significance. Algorithms developed to predict the effect of sequence changes on RNA splicing suggest that this variant may create or strengthen a splice site. Algorithms developed to predict the effect of missense changes on protein structure and function output the following: SIFT: "Tolerated"; PolyPhen-2: "Benign"; Align-GVGD: "Class C0". The glutamine amino acid residue is found in multiple mammalian species, which suggests that this missense change does not adversely affect protein function. This variant has not been reported in the literature in individuals affected with CDT1-related conditions. This variant is present in population databases (rs756607694, ExAC 0.002%). This sequence change replaces arginine with glutamine at codon 131 of the CDT1 protein (p.Arg131Gln). The arginine residue is moderately conserved and there is a small physicochemical difference between arginine and glutamine.